The following is an entry in ClinVar:

ClinVar aggregate classification (germline): Pathogenic (1 of 4 stars; one submission).

Conditions:
Nemaline myopathy 2 (NEM2). Also called: Nemaline myopathy 2, autosomal recessive. Identifiers: MedGen C1850569, MONDO:0009725, OMIM 256030.

Submission:

Myriad Genetics, Inc.
Classification: Pathogenic for Nemaline myopathy 2. Last evaluated: 2026-08-10. Review status: criteria provided, single submitter. Criteria: Myriad Autosomal Dominant, Autosomal Recessive and X-Linked Classification Criteria (2023). Collection method: clinical testing. Allele origin: unknown.
Comment: NM_001271208.1(NEB):c.21569C>G(S7190*) is expected to be pathogenic in the context of NEB-related nemaline myopathy. This variant is predicted to lead to an abnormal or absent protein product due to the creation of a premature termination codon in NEB, a gene where loss-of-function variants are known to be pathogenic. Please note: this variant was assessed in the context of healthy population screening.

NM_001164508.2(NEB):c.21464C>G (p.Ser7155Ter)

Genes: NEB (nebulin; minus strand), RIF1 (replication timing regulatory factor 1; plus strand). Cytogenetic location: 2q23.3.
Variant type: single nucleotide variant.
Coding change: c.21464C>G on transcript NM_001164508.2 (MANE Select); coding-DNA position 21464, C replaced by G.
Protein change: p.Ser7155Ter; replaces serine 7155 with a stop codon.
Molecular consequence: nonsense.
Genome position (GRCh38, 1-based): chr2:151,531,850, G>C on the plus strand (C>G on the coding strand, the complement: NEB is on the minus strand). VCF-style: chr2-151531850-G-C. GRCh37 (hg19) VCF-style: chr2-152388364-G-C.
Other names: c.21464C>G, p.Ser7155Ter (NM_001164507.2); c.21569C>G, p.Ser7190Ter (NM_001271208.2); c.16361C>G, p.Ser5454Ter (NM_004543.5); short protein forms S5454*, S7155*, S7190*.
Identifiers: ClinVar variation 5016226 (VCV005016226.1).